The following is an entry in ClinVar:

NM_000048.4(ASL):c.689T>C (p.Met230Thr)

Gene: ASL (argininosuccinate lyase; plus strand). Cytogenetic location: 7q11.21.
Variant type: single nucleotide variant.
Coding change: c.689T>C on transcript NM_000048.4 (MANE Select); coding-DNA position 689, T replaced by C.
Protein change: p.Met230Thr; replaces methionine 230 with threonine.
Molecular consequence: missense variant.
Genome position (GRCh38, 1-based): chr7:66,087,762, T>C. VCF-style: chr7-66087762-T-C. GRCh37 (hg19) VCF-style: chr7-65552749-T-C.
Other names: c.689T>C, p.Met230Thr (NM_001024943.2, NM_001024944.2); c.611T>C, p.Met204Thr (NM_001024946.2); short protein forms M204T, M230T.
Identifiers: ClinVar variation 2780117 (VCV002780117.3), dbSNP rs2485013685, ClinGen allele CA367644634.
Genomic context (GRCh38, chr7:66,087,762, plus strand): 5'-TAGCCCTGCTTCCTCCCACCCCCCCAGAACTCAACTTTGGGGCCATCACTCTCAACAGCA[T>C]GGATGCCACTAGTGAGCGGGACTTTGTGGGTGAGTCCTGGGGAGCCAGTCCCCTGCCCTG-3'
Protein context (NP_000039.2, residues 220-240): LNFGAITLNS[Met230Thr]DATSERDFVA

ClinVar aggregate classification (germline): Likely pathogenic (1 of 4 stars; one submission).

Conditions:
Argininosuccinate lyase deficiency. Also called: Argininosuccinic aciduria; ARGININOSUCCINIC ACID LYASE DEFICIENCY; ASL DEFICIENCY. Identifiers: Orphanet 23, MedGen C0268547, MONDO:0008815, OMIM 207900, HP:0025630.

Submission:

Labcorp Genetics (formerly Invitae), Labcorp
Classification: Likely pathogenic for Argininosuccinate lyase deficiency. Last evaluated: 2023-08-04. Review status: criteria provided, single submitter. Criteria: Invitae Variant Classification Sherloc (09022015). Collection method: clinical testing. Allele origin: germline.
Comment: This missense change has been observed in individual(s) with argininosuccinate lyase deficiency (PMID: 33851512). This variant is not present in population databases (gnomAD no frequency). This sequence change replaces methionine, which is neutral and non-polar, with threonine, which is neutral and polar, at codon 230 of the ASL protein (p.Met230Thr). Advanced modeling of protein sequence and biophysical properties (such as structural, functional, and spatial information, amino acid conservation, physicochemical variation, residue mobility, and thermodynamic stability) performed at Invitae indicates that this missense variant is expected to disrupt ASL protein function. In summary, the currently available evidence indicates that the variant is pathogenic, but additional data are needed to prove that conclusively. Therefore, this variant has been classified as Likely Pathogenic. This variant disrupts the p.Met230 amino acid residue in ASL. Other variant(s) that disrupt this residue have been determined to be pathogenic (Invitae). This suggests that this residue is clinically significant, and that variants that disrupt this residue are likely to be disease-causing.

Literature cited by the submitters: PubMed 33851512.